The following is an entry in ClinVar:

ClinVar aggregate classification (germline): Uncertain significance (1 of 4 stars; one submission).

Conditions:
Niemann-Pick disease, type C2 (NPC2). Identifiers: Orphanet 646, MedGen C1843366, MONDO:0011873, OMIM 607625.

Submission:

Labcorp Genetics (formerly Invitae), Labcorp
Classification: Uncertain significance for Niemann-Pick disease, type C2. Last evaluated: 2022-08-04. Review status: criteria provided, single submitter. Criteria: Invitae Variant Classification Sherloc (09022015). Collection method: clinical testing. Allele origin: germline.
Comment: In summary, the available evidence is currently insufficient to determine the role of this variant in disease. Therefore, it has been classified as a Variant of Uncertain Significance. Algorithms developed to predict the effect of missense changes on protein structure and function are either unavailable or do not agree on the potential impact of this missense change (SIFT: "Tolerated"; PolyPhen-2: "Possibly Damaging"; Align-GVGD: "Class C0"). This variant has not been reported in the literature in individuals affected with NPC2-related conditions. This variant is not present in population databases (gnomAD no frequency). This sequence change replaces serine, which is neutral and polar, with arginine, which is basic and polar, at codon 117 of the NPC2 protein (p.Ser117Arg).

NM_006432.5(NPC2):c.349A>C (p.Ser117Arg)

Gene: NPC2 (NPC intracellular cholesterol transporter 2; minus strand). Cytogenetic location: 14q24.3.
Variant type: single nucleotide variant.
Coding change: c.349A>C on transcript NM_006432.5 (MANE Select); coding-DNA position 349, A replaced by C.
Protein change: p.Ser117Arg; replaces serine 117 with arginine.
Molecular consequence: missense variant.
Genome position (GRCh38, 1-based): chr14:74,484,429, T>G on the plus strand (A>C on the coding strand, the complement: NPC2 is on the minus strand). VCF-style: chr14-74484429-T-G. GRCh37 (hg19) VCF-style: chr14-74951132-T-G.
Other names: c.349A>C, p.Ser117Arg (NM_001363688.1, NM_001375440.1); short protein forms S117R.
Identifiers: ClinVar variation 1715024 (VCV001715024.5), dbSNP rs2506104353, ClinGen allele CA390532263.